The following is an entry in ClinVar:

NM_013275.6(ANKRD11):c.1285_1286del (p.Ser429fs)

Gene: ANKRD11 (ankyrin repeat domain 11; minus strand). Cytogenetic location: 16q24.3.
Variant type: Microsatellite.
Coding change: c.1285_1286del on transcript NM_013275.6 (MANE Select); coding-DNA positions 1285 to 1286, 2 bases deleted (TC; older notation c.1285_1286delTC).
Protein change: p.Ser429fs; shifts the reading frame from serine 429.
Molecular consequence: frameshift variant.
Genome position (GRCh38, 1-based): chr16:89,285,256-89,285,257, GA deleted on the plus strand (TC on the coding strand, the reverse complement: ANKRD11 is on the minus strand); deleting any 2 consecutive bases within chr16:89,285,256-89,285,260 gives the same sequence; the c. name uses the placement nearest the transcript's 3' end. VCF-style (leftmost placement, unchanged base first): chr16-89285255-CGA-C. GRCh37 (hg19) VCF-style: chr16-89351663-CGA-C.
Other names: c.1285_1286del (NM_013275.5); c.1285_1286del, p.Ser429fs (NM_001256182.2, NM_001256183.2); short protein forms S429fs.
Identifiers: ClinVar variation 633543 (VCV000633543.3), dbSNP rs1597465419, ClinGen allele CA913190322.

ClinVar aggregate classification (germline): Pathogenic/Likely pathogenic. Review status: criteria provided, multiple submitters, no conflicts (2 of 4 stars). 3 submissions from 3 submitters: Pathogenic (2); Likely pathogenic (1). Last evaluated 2026-02-09.

Conditions:
KBG syndrome (KBGS). Also called: ANKRD11-Related KBG Syndrome. Identifiers: Orphanet 2332, MedGen C0220687, MONDO:0007846, OMIM 148050.

Submissions (3):

Institute of Human Genetics, University of Leipzig Medical Center
Classification: Pathogenic for KBG syndrome. Last evaluated: 2026-02-09. Review status: criteria provided, single submitter. Criteria: ACMG Guidelines, 2015. Collection method: clinical testing. Allele origin: unknown. Inheritance: Autosomal dominant inheritance. Affected: yes.
Comment: Criteria applied: PVS1,PS2_MOD,PS4_MOD,PM2

GeneDx
Classification: Pathogenic. Last evaluated: 2025-02-18. Review status: criteria provided, single submitter. Criteria: GeneDx Variant Classification Process June 2021. Collection method: clinical testing. Allele origin: germline. Affected: yes.
Comment: Frameshift variant predicted to result in protein truncation or nonsense mediated decay in a gene for which loss of function is a known mechanism of disease; Not observed at significant frequency in large population cohorts (gnomAD); This variant is associated with the following publications: (PMID: 37586838, 34971082, 32124548)

Laboratory of Molecular Genetics (Pr. Bezieau's lab), CHU de Nantes
Classification: Likely pathogenic. Last evaluated: 2018-08-08. Review status: criteria provided, single submitter. Criteria: ACMG Guidelines, 2015. Collection method: clinical testing. Allele origin: germline. Affected: yes.